The following is an entry in ClinVar:

NM_024753.5(TTC21B):c.429+2T>C

Genes: TTC21B (tetratricopeptide repeat domain 21B; minus strand), TTC21B-AS1 (TTC21B antisense RNA 1; plus strand). Cytogenetic location: 2q24.3.
Variant type: single nucleotide variant.
Coding change: c.429+2T>C on transcript NM_024753.5 (MANE Select); the canonical splice donor site of the intron after coding-DNA position 429, T replaced by C.
Molecular consequence: splice donor variant.
Genome position (GRCh38, 1-based): chr2:165,945,522, A>G on the plus strand (T>C on the coding strand, the complement: TTC21B is on the minus strand). VCF-style: chr2-165945522-A-G. GRCh37 (hg19) VCF-style: chr2-166802032-A-G.
Identifiers: ClinVar variation 3750689 (VCV003750689.2).

ClinVar aggregate classification (germline): Likely pathogenic (1 of 4 stars; one submission).

Conditions:
Jeune thoracic dystrophy. Also called: Infantile thoracic dystrophy; Thoracic pelvic phalangeal dystrophy; Jeune's syndrome; Chondroectodermal dysplasia-like syndrome; Jeune syndrome; Short-rib thoracic dysplasia. Identifiers: Orphanet 474, MedGen C0265275, MONDO:0018770.
Nephronophthisis. Also called: Juvenile Nephronophthisis. Identifiers: Orphanet 655, MedGen C0687120, MONDO:0019005, HP:0000090.

gnomAD v4.1: 13 of 1,612,540 alleles (0.00081%); highest among the groups gnomAD compares: Non-Finnish European, 0.0011%; no homozygotes.

Submission:

Labcorp Genetics (formerly Invitae), Labcorp
Classification: Likely pathogenic for Jeune thoracic dystrophy; Nephronophthisis. Last evaluated: 2024-06-30. Review status: criteria provided, single submitter. Criteria: Invitae Variant Classification Sherloc (09022015). Collection method: clinical testing. Allele origin: germline.
Comment: This sequence change affects a donor splice site in intron 4 of the TTC21B gene. It is expected to disrupt RNA splicing. Variants that disrupt the donor or acceptor splice site typically lead to a loss of protein function (PMID: 16199547), and loss-of-function variants in TTC21B are known to be pathogenic (PMID: 18327258, 21068128, 21258341, 23559409, 24876116, 25492405, 27491411, 29068549). This variant is present in population databases (no rsID available, gnomAD 0.0009%). This variant has not been reported in the literature in individuals affected with TTC21B-related conditions. Algorithms developed to predict the effect of sequence changes on RNA splicing suggest that this variant may disrupt the consensus splice site. In summary, the currently available evidence indicates that the variant is pathogenic, but additional data are needed to prove that conclusively. Therefore, this variant has been classified as Likely Pathogenic.

Literature cited by the submitters: PubMed 16199547; PubMed 18327258; PubMed 21068128; PubMed 21258341; PubMed 23559409; PubMed 24876116; PubMed 25492405; PubMed 27491411; PubMed 29068549.